The following is an entry in ClinVar:

NM_033026.6(PCLO):c.7272C>T (p.Pro2424=)

Gene: PCLO (piccolo presynaptic cytomatrix protein; minus strand). Cytogenetic location: 7q21.11.
Variant type: single nucleotide variant.
Coding change: c.7272C>T on transcript NM_033026.6 (MANE Select); coding-DNA position 7272, C replaced by T.
Protein change: p.Pro2424=; no amino-acid change (proline 2424 retained).
Molecular consequence: synonymous variant.
Genome position (GRCh38, 1-based): chr7:82,953,681, G>A on the plus strand (C>T on the coding strand, the complement: PCLO is on the minus strand). VCF-style: chr7-82953681-G-A. GRCh37 (hg19) VCF-style: chr7-82582997-G-A.
Other names: c.7272C>T, p.Pro2424= (NM_014510.3).
Identifiers: ClinVar variation 403286 (VCV000403286.4), dbSNP rs1060499888, ClinGen allele CA16609740.

ClinVar aggregate classification (germline): Uncertain significance (1 of 4 stars; one submission).

Submission:

Laboratory for Molecular Medicine, Mass General Brigham Personalized Medicine
Classification: Uncertain significance. Last evaluated: 2016-03-29. Review status: criteria provided, single submitter. Criteria: LMM Criteria. Collection method: clinical testing. Allele origin: germline.
Comment: Variant identified in a genome or exome case(s) and assessed due to predicted null impact of the variant or pathogenic assertions in the literature or databases. Disclaimer: This variant has not undergone full assessment. The following are preliminary notes: Silent variant not near splice site. Gene associated with Pontocerebellar hypoplasia type 3